The following is an entry in ClinVar:

ClinVar aggregate classification (germline): Pathogenic (1 of 4 stars; one submission).

Conditions:
Primary ciliary dyskinesia. Also called: Ciliary dyskinesia. Identifiers: Orphanet 244, MedGen C0008780, MONDO:0016575, HP:0012265.

Submission:

Labcorp Genetics (formerly Invitae), Labcorp
Classification: Pathogenic for Primary ciliary dyskinesia. Last evaluated: 2025-08-18. Review status: criteria provided, single submitter. Criteria: Invitae Variant Classification Sherloc (09022015). Collection method: clinical testing. Allele origin: germline.
Comment: This sequence change creates a premature translational stop signal (p.Asn194Thrfs*7) in the DNAH5 gene. It is expected to result in an absent or disrupted protein product. Loss-of-function variants in DNAH5 are known to be pathogenic (PMID: 11788826, 16627867). This variant is not present in population databases (gnomAD no frequency). This variant has not been reported in the literature in individuals affected with DNAH5-related conditions. ClinVar contains an entry for this variant (Variation ID: 2018851). For these reasons, this variant has been classified as Pathogenic.

Literature cited by the submitters: PubMed 11788826; PubMed 16627867.

NM_001369.3(DNAH5):c.581del (p.Asn194fs)

Gene: DNAH5 (dynein axonemal heavy chain 5; minus strand). Cytogenetic location: 5p15.2.
Variant type: Deletion.
Coding change: c.581del on transcript NM_001369.3 (MANE Select); coding-DNA position 581, one base deleted (A; older notation c.581delA).
Protein change: p.Asn194fs; shifts the reading frame from asparagine 194.
Molecular consequence: frameshift variant.
Genome position (GRCh38, 1-based): chr5:13,922,186, T deleted on the plus strand (A on the coding strand, the reverse complement: DNAH5 is on the minus strand); the first of 2 consecutive T bases (chr5:13,922,186-13,922,187); deleting either gives the same sequence. VCF-style (leftmost placement, unchanged base first): chr5-13922185-GT-G. GRCh37 (hg19) VCF-style: chr5-13922294-GT-G.
Other names: short protein forms N194fs.
Identifiers: ClinVar variation 2018851 (VCV002018851.4), dbSNP rs2547155871, ClinGen allele CA2580072121.